The following is an entry in ClinVar:

NM_017654.4(SAMD9):c.3991A>G (p.Arg1331Gly)

Gene: SAMD9 (sterile alpha motif domain containing 9; minus strand). Cytogenetic location: 7q21.2.
Variant type: single nucleotide variant.
Coding change: c.3991A>G on transcript NM_017654.4 (MANE Select); coding-DNA position 3991, A replaced by G.
Protein change: p.Arg1331Gly; replaces arginine 1331 with glycine.
Molecular consequence: missense variant.
Genome position (GRCh38, 1-based): chr7:93,102,107, T>C on the plus strand (A>G on the coding strand, the complement: SAMD9 is on the minus strand). VCF-style: chr7-93102107-T-C. GRCh37 (hg19) VCF-style: chr7-92731420-T-C.
Other names: c.3991A>G, p.Arg1331Gly (NM_001193307.2); short protein forms R1331G.
Identifiers: ClinVar variation 3791968 (VCV003791968.1).

ClinVar aggregate classification (germline): Uncertain significance (1 of 4 stars; one submission).

Conditions:
Inborn genetic diseases. Identifiers: MedGen C0950123, MeSH D030342.

Submission:

Ambry Genetics
Classification: Uncertain significance for Inborn genetic diseases. Last evaluated: 2025-01-03. Review status: criteria provided, single submitter. Criteria: Ambry Variant Classification Scheme 2023. Collection method: clinical testing. Allele origin: germline.
Comment: The p.R1331G variant (also known as c.3991A>G), located in coding exon 1 of the SAMD9 gene, results from an A to G substitution at nucleotide position 3991. The arginine at codon 1331 is replaced by glycine, an amino acid with dissimilar properties. This amino acid position is conserved. In addition, this alteration is predicted to be tolerated by in silico analysis. Based on the available evidence, the clinical significance of this variant remains unclear.